The following is an entry in ClinVar:

ClinVar aggregate classification (germline): Uncertain significance. Review status: criteria provided, multiple submitters, no conflicts (2 of 4 stars). 4 submissions from 4 submitters: Uncertain significance (4). Last evaluated 2025-03-04.

Conditions:
Hereditary diffuse gastric adenocarcinoma (HDGC). Also called: DIFFUSE GASTRIC AND LOBULAR BREAST CANCER SYNDROME. Identifiers: Orphanet 26106, MedGen C1708349, MONDO:0007648, OMIM 137215.
Hereditary cancer-predisposing syndrome. Also called: Hereditary neoplastic syndrome; Tumor predisposition; Hereditary Cancer Syndrome; Neoplastic Syndromes, Hereditary. Identifiers: Orphanet 140162, MedGen C0027672, MeSH D009386, MONDO:0015356.

gnomAD v4.1: 6 of 1,613,910 alleles (0.00037%); highest among the groups gnomAD compares: South Asian, 0.0033%; no homozygotes.

Submissions (4):

Center for Genomic Medicine, Rigshospitalet, Copenhagen University Hospital
Classification: Uncertain significance. Last evaluated: 2025-03-04. Review status: criteria provided, single submitter. Criteria: ACMG Guidelines, 2015. Collection method: clinical testing. Allele origin: germline.

Labcorp Genetics (formerly Invitae), Labcorp
Classification: Uncertain significance for Hereditary diffuse gastric adenocarcinoma. Last evaluated: 2024-03-14. Review status: criteria provided, single submitter. Criteria: Invitae Variant Classification Sherloc (09022015). Collection method: clinical testing. Allele origin: germline.
Comment: This sequence change replaces leucine, which is neutral and non-polar, with phenylalanine, which is neutral and non-polar, at codon 669 of the CDH1 protein (p.Leu669Phe). This variant is present in population databases (no rsID available, gnomAD 0.003%). This variant has not been reported in the literature in individuals affected with CDH1-related conditions. ClinVar contains an entry for this variant (Variation ID: 581248). An algorithm developed to predict the effect of missense changes on protein structure and function (PolyPhen-2) suggests that this variant is likely to be disruptive. In summary, the available evidence is currently insufficient to determine the role of this variant in disease. Therefore, it has been classified as a Variant of Uncertain Significance.

Ambry Genetics
Classification: Uncertain significance for Hereditary cancer-predisposing syndrome. Last evaluated: 2024-01-05. Review status: criteria provided, single submitter. Criteria: Ambry Variant Classification Scheme 2023. Collection method: clinical testing. Allele origin: germline.
Comment: The p.L669F variant (also known as c.2005C>T), located in coding exon 13 of the CDH1 gene, results from a C to T substitution at nucleotide position 2005. The leucine at codon 669 is replaced by phenylalanine, an amino acid with highly similar properties. This amino acid position is well conserved in available vertebrate species. In addition, the in silico prediction for this alteration is inconclusive. Since supporting evidence is limited at this time, the clinical significance of this alteration remains unclear.

GeneDx
Classification: Uncertain significance. Last evaluated: 2021-05-07. Review status: criteria provided, single submitter. Criteria: GeneDx Variant Classification Process June 2021. Collection method: clinical testing. Allele origin: germline. Affected: yes.
Comment: Not observed at a significant frequency in large population cohorts (Lek 2016); In silico analysis supports that this missense variant has a deleterious effect on protein structure/function; Has not been previously published as pathogenic or benign to our knowledge

NM_004360.5(CDH1):c.2005C>T (p.Leu669Phe)

Gene: CDH1 (cadherin 1; plus strand). Cytogenetic location: 16q22.1.
Variant type: single nucleotide variant.
Coding change: c.2005C>T on transcript NM_004360.5 (MANE Select); coding-DNA position 2005, C replaced by T.
Protein change: p.Leu669Phe; replaces leucine 669 with phenylalanine.
Molecular consequence: missense variant.
Genome position (GRCh38, 1-based): chr16:68,823,467, C>T. VCF-style: chr16-68823467-C-T. GRCh37 (hg19) VCF-style: chr16-68857370-C-T.
Other names: c.2005C>T (LRG_301t1); c.1822C>T, p.Leu608Phe (NM_001317184.2); c.457C>T, p.Leu153Phe (NM_001317185.2); c.40C>T, p.Leu14Phe (NM_001317186.2); short protein forms L669F, L608F, L14F, L153F.
Identifiers: ClinVar variation 581248 (VCV000581248.23), dbSNP rs1490366214, ClinGen allele CA396467649.